The following is an entry in ClinVar:

NM_014314.4(RIGI):c.277G>C (p.Asp93His)

Gene: RIGI (RNA sensor RIG-I; minus strand). Cytogenetic location: 9p21.1.
Variant type: single nucleotide variant.
Coding change: c.277G>C on transcript NM_014314.4 (MANE Select); coding-DNA position 277, G replaced by C.
Protein change: p.Asp93His; replaces aspartic acid 93 with histidine.
Molecular consequence: missense variant. On other transcripts: 5 prime UTR variant (3).
Genome position (GRCh38, 1-based): chr9:32,493,907, C>G on the plus strand (G>C on the coding strand, the complement: RIGI is on the minus strand). VCF-style: chr9-32493907-C-G. GRCh37 (hg19) VCF-style: chr9-32493905-C-G.
Other names: c.277G>C, p.Asp93His (NM_001385907.1, NM_001385909.1, NM_001385913.1); c.-178G>C (NM_001385910.1, NM_001385914.1); c.-185G>C (NM_001385912.1); short protein forms D93H.
Identifiers: ClinVar variation 2036744 (VCV002036744.5), dbSNP rs759413709, ClinGen allele CA373165447.

ClinVar aggregate classification (germline): Uncertain significance. Review status: criteria provided, multiple submitters, no conflicts (2 of 4 stars). 2 submissions from 2 submitters: Uncertain significance (2). Last evaluated 2024-10-10.

Allele frequency attached by ClinVar (database versions not stated): gnomAD 0.00001.
gnomAD v4.1: 1 of 1,607,332 alleles (0.000062%); highest among the groups gnomAD compares: Admixed American, 0.0017%; no homozygotes.

Submissions (2):

Labcorp Genetics (formerly Invitae), Labcorp
Classification: Uncertain significance. Last evaluated: 2024-10-10. Review status: criteria provided, single submitter. Criteria: Invitae Variant Classification Sherloc (09022015). Collection method: clinical testing. Allele origin: germline.
Comment: This sequence change replaces aspartic acid, which is acidic and polar, with histidine, which is basic and polar, at codon 93 of the DDX58 protein (p.Asp93His). This variant is not present in population databases (gnomAD no frequency). This variant has not been reported in the literature in individuals affected with DDX58-related conditions. ClinVar contains an entry for this variant (Variation ID: 2036744). An algorithm developed to predict the effect of missense changes on protein structure and function (PolyPhen-2) suggests that this variant is likely to be disruptive. In summary, the available evidence is currently insufficient to determine the role of this variant in disease. Therefore, it has been classified as a Variant of Uncertain Significance.

Blueprint Genetics
Classification: Uncertain significance. Last evaluated: 2021-06-09. Review status: criteria provided, single submitter. Criteria: ACMG Guidelines, 2015. Collection method: clinical testing. Allele origin: germline.